The following is an entry in ClinVar:

NM_007194.4(CHEK2):c.420C>G (p.Ser140Arg)

Gene: CHEK2 (checkpoint kinase 2; minus strand). Cytogenetic location: 22q12.1.
Variant type: single nucleotide variant.
Coding change: c.420C>G on transcript NM_007194.4 (MANE Select); coding-DNA position 420, C replaced by G.
Protein change: p.Ser140Arg; replaces serine 140 with arginine.
Molecular consequence: missense variant.
Genome position (GRCh38, 1-based): chr22:28,725,267, G>C on the plus strand (C>G on the coding strand, the complement: CHEK2 is on the minus strand). VCF-style: chr22-28725267-G-C. GRCh37 (hg19) VCF-style: chr22-29121255-G-C.
Other names: c.549C>G, p.Ser183Arg (NM_001005735.3); c.-358C>G (NM_001257387.3); c.420C>G, p.Ser140Arg (NM_001349956.3, NM_145862.3); short protein forms S140R, S183R.
Identifiers: ClinVar variation 845597 (VCV000845597.11), dbSNP rs1601825215, ClinGen allele CA411107943.

ClinVar aggregate classification (germline): Uncertain significance. Review status: criteria provided, multiple submitters, no conflicts (2 of 4 stars). 2 submissions from 2 submitters: Uncertain significance (2). Last evaluated 2024-12-24.

Conditions:
Hereditary cancer-predisposing syndrome. Also called: Tumor predisposition; Hereditary neoplastic syndrome; Neoplastic Syndromes, Hereditary; Hereditary Cancer Syndrome. Identifiers: Orphanet 140162, MedGen C0027672, MeSH D009386, MONDO:0015356.
Familial cancer of breast. Also called: hereditary breast carcinoma; Hereditary breast cancer; BREAST CANCER, FAMILIAL. Identifiers: Orphanet 227535, MedGen C0346153, MONDO:0016419, OMIM 114480. Disease mechanism: loss of function.

Allele frequency attached by ClinVar (database versions not stated): gnomAD exomes below 0.00001.
gnomAD v4.1: 1 of 1,614,094 alleles (0.000062%); highest among the groups gnomAD compares: Non-Finnish European, 0.000085%; no homozygotes.

Submissions (2):

Labcorp Genetics (formerly Invitae), Labcorp
Classification: Uncertain significance for Familial cancer of breast. Last evaluated: 2024-12-24. Review status: criteria provided, single submitter. Criteria: Invitae Variant Classification Sherloc (09022015). Collection method: clinical testing. Allele origin: germline.
Comment: This sequence change replaces serine, which is neutral and polar, with arginine, which is basic and polar, at codon 140 of the CHEK2 protein (p.Ser140Arg). This variant is not present in population databases (gnomAD no frequency). This variant has not been reported in the literature in individuals affected with CHEK2-related conditions. ClinVar contains an entry for this variant (Variation ID: 845597). An algorithm developed to predict the effect of missense changes on protein structure and function (PolyPhen-2) suggests that this variant is likely to be disruptive. In summary, the available evidence is currently insufficient to determine the role of this variant in disease. Therefore, it has been classified as a Variant of Uncertain Significance.

Ambry Genetics
Classification: Uncertain significance for Hereditary cancer-predisposing syndrome. Last evaluated: 2024-08-18. Review status: criteria provided, single submitter. Criteria: Ambry Variant Classification Scheme 2023. Collection method: clinical testing. Allele origin: germline.
Comment: The p.S140R variant (also known as c.420C>G), located in coding exon 2 of the CHEK2 gene, results from a C to G substitution at nucleotide position 420. The serine at codon 140 is replaced by arginine, an amino acid with dissimilar properties. This amino acid position is conserved. In addition, this alteration is predicted to be deleterious by in silico analysis. Based on the available evidence, the clinical significance of this variant remains unclear.